The following is an entry in ClinVar:

ClinVar aggregate classification (germline): Uncertain significance. Review status: criteria provided, multiple submitters, no conflicts (2 of 4 stars). 3 submissions from 3 submitters: Uncertain significance (3). Last evaluated 2025-10-22.

Conditions:
Hereditary cancer-predisposing syndrome. Also called: Hereditary neoplastic syndrome; Tumor predisposition; Neoplastic Syndromes, Hereditary; Hereditary Cancer Syndrome. Identifiers: Orphanet 140162, MedGen C0027672, MeSH D009386, MONDO:0015356.
Familial adenomatous polyposis 1 (FAP1). Also called: POLYPOSIS, ADENOMATOUS INTESTINAL; FAMILIAL ADENOMATOUS POLYPOSIS 1, ATTENUATED. Identifiers: MedGen C2713442, MONDO:0021056, OMIM 175100. Disease mechanism: loss of function.

Submissions (3):

Ambry Genetics
Classification: Uncertain significance for Hereditary cancer-predisposing syndrome. Last evaluated: 2025-10-22. Review status: criteria provided, single submitter. Criteria: Ambry Variant Classification Scheme 2023. Collection method: clinical testing. Allele origin: germline.
Comment: The p.S874L variant (also known as c.2621C>T), located in coding exon 15 of the APC gene, results from a C to T substitution at nucleotide position 2621. The serine at codon 874 is replaced by leucine, an amino acid with dissimilar properties. This amino acid position is conserved. In addition, in silico predictors for this gene do not accurately predict pathogenicity. Since supporting evidence is limited at this time, the clinical significance of this alteration remains unclear.

Labcorp Genetics (formerly Invitae), Labcorp
Classification: Uncertain significance for Familial adenomatous polyposis 1. Last evaluated: 2024-04-03. Review status: criteria provided, single submitter. Criteria: Invitae Variant Classification Sherloc (09022015). Collection method: clinical testing. Allele origin: germline.
Comment: This sequence change replaces serine, which is neutral and polar, with leucine, which is neutral and non-polar, at codon 874 of the APC protein (p.Ser874Leu). This variant is not present in population databases (gnomAD no frequency). This variant has not been reported in the literature in individuals affected with APC-related conditions. ClinVar contains an entry for this variant (Variation ID: 569793). Advanced modeling of protein sequence and biophysical properties (such as structural, functional, and spatial information, amino acid conservation, physicochemical variation, residue mobility, and thermodynamic stability) performed at Invitae indicates that this missense variant is not expected to disrupt APC protein function with a negative predictive value of 95%. In summary, the available evidence is currently insufficient to determine the role of this variant in disease. Therefore, it has been classified as a Variant of Uncertain Significance.

Genetic Services Laboratory, University of Chicago
Classification: Uncertain significance. Last evaluated: 2020-02-03. Review status: criteria provided, single submitter. Criteria: ACMG Guidelines, 2015. Collection method: clinical testing. Allele origin: germline. Affected: no.

NM_000038.6(APC):c.2621C>T (p.Ser874Leu)

Gene: APC (APC regulator of Wnt signaling pathway; plus strand). Cytogenetic location: 5q22.2.
Variant type: single nucleotide variant.
Coding change: c.2621C>T on transcript NM_000038.6 (MANE Select); coding-DNA position 2621, C replaced by T.
Protein change: p.Ser874Leu; replaces serine 874 with leucine.
Molecular consequence: missense variant.
Genome position (GRCh38, 1-based): chr5:112,838,215, C>T. VCF-style: chr5-112838215-C-T. GRCh37 (hg19) VCF-style: chr5-112173912-C-T.
Other names: c.2621C>T, p.Ser874Leu (NM_001127510.3, NM_001354895.2); c.2567C>T, p.Ser856Leu (NM_001127511.3); c.2675C>T, p.Ser892Leu (NM_001354896.2); c.2651C>T, p.Ser884Leu (NM_001354897.2); c.2546C>T, p.Ser849Leu (NM_001354898.2); c.2537C>T, p.Ser846Leu (NM_001354899.2); c.2498C>T, p.Ser833Leu (NM_001354900.2); c.2444C>T, p.Ser815Leu (NM_001354901.2); and 5 more; short protein forms S874L, S856L, S815L, S846L, S892L, S773L, S783L, S833L.
Identifiers: ClinVar variation 569793 (VCV000569793.15), dbSNP rs1554084318, ClinGen allele CA16027068.
Genomic context (GRCh38, chr5:112,838,215, plus strand): 5'-GAGAACGCGGAATTGGTCTAGGCAACTACCATCCAGCAACAGAAAATCCAGGAACTTCTT[C>T]AAAGCGAGGTTTGCAGATCTCCACCACTGCAGCCCAGATTGCCAAAGTCATGGAAGAAGT-3'
Protein context (NP_000029.2, residues 864-884): HPATENPGTS[Ser874Leu]KRGLQISTTA